The following is an entry in ClinVar:

NM_006343.3(MERTK):c.1559A>G (p.Tyr520Cys)

Gene: MERTK (MER proto-oncogene, tyrosine kinase; plus strand). Cytogenetic location: 2q13.
Variant type: single nucleotide variant.
Coding change: c.1559A>G on transcript NM_006343.3 (MANE Select); coding-DNA position 1559, A replaced by G.
Protein change: p.Tyr520Cys; replaces tyrosine 520 with cysteine.
Molecular consequence: missense variant.
Genome position (GRCh38, 1-based): chr2:111,997,431, A>G. VCF-style: chr2-111997431-A-G. GRCh37 (hg19) VCF-style: chr2-112755008-A-G.
Other names: short protein forms Y520C.
Identifiers: ClinVar variation 870686 (VCV000870686.47), dbSNP rs374649522, ClinGen allele CA1831459.

ClinVar aggregate classification (germline): Uncertain significance. Review status: criteria provided, multiple submitters, no conflicts (2 of 4 stars). 2 submissions from 2 submitters: Uncertain significance (2). Last evaluated 2021-01-16.

Allele frequency attached by ClinVar (database versions not stated): gnomAD exomes 0.00001; ExAC 0.00002; TOPMed 0.00003; gnomAD 0.00004; ESP Exome Variant Server 0.00008.
gnomAD v4.1: 20 of 1,613,992 alleles (0.0012%); highest among the groups gnomAD compares: Middle Eastern, 0.016%; no homozygotes.

Submissions (2):

Labcorp Genetics (formerly Invitae), Labcorp
Classification: Uncertain significance. Last evaluated: 2021-01-16. Review status: criteria provided, single submitter. Criteria: Invitae Variant Classification Sherloc (09022015). Collection method: clinical testing. Allele origin: germline.
Comment: In summary, the available evidence is currently insufficient to determine the role of this variant in disease. Therefore, it has been classified as a Variant of Uncertain Significance. Algorithms developed to predict the effect of missense changes on protein structure and function (SIFT, PolyPhen-2, Align-GVGD) all suggest that this variant is likely to be tolerated, but these predictions have not been confirmed by published functional studies and their clinical significance is uncertain. This variant has not been reported in the literature in individuals with MERTK-related conditions. ClinVar contains an entry for this variant (Variation ID: 870686). This variant is present in population databases (rs374649522, ExAC 0.02%). This sequence change replaces tyrosine with cysteine at codon 520 of the MERTK protein (p.Tyr520Cys). The tyrosine residue is highly conserved and there is a large physicochemical difference between tyrosine and cysteine.

CeGaT Center for Human Genetics Tuebingen
Classification: Uncertain significance. Last evaluated: 2019-07-01. Review status: criteria provided, single submitter. Criteria: CeGaT Center For Human Genetics Tuebingen Variant Classification Criteria Version 2. Collection method: clinical testing. Allele origin: germline. Affected: yes. Observed: 1 variant allele.